The following is an entry in ClinVar:

NM_005633.4(SOS1):c.23A>T (p.Tyr8Phe)

Genes: SOS1 (SOS Ras/Rac guanine nucleotide exchange factor 1; minus strand), LOC129933535 (ATAC-STARR-seq lymphoblastoid silent region 11384; plus strand). Cytogenetic location: 2p22.1.
Variant type: single nucleotide variant.
Coding change: c.23A>T on transcript NM_005633.4 (MANE Select); coding-DNA position 23, A replaced by T.
Protein change: p.Tyr8Phe; replaces tyrosine 8 with phenylalanine.
Molecular consequence: missense variant. On other transcripts: intron variant (1).
Genome position (GRCh38, 1-based): chr2:39,120,400, T>A on the plus strand (A>T on the coding strand, the complement: SOS1 is on the minus strand). VCF-style: chr2-39120400-T-A. GRCh37 (hg19) VCF-style: chr2-39347541-T-A.
Other names: c.23A>T, p.Tyr8Phe (NM_001382395.1); c.66+4264A>T (NM_001382394.1); short protein forms Y8F.
Identifiers: ClinVar variation 1029999 (VCV001029999.11), dbSNP rs781093356, ClinGen allele CA346374768.
Genomic context (GRCh38, chr2:39,120,400, plus strand): 5'-TTCAGCGCAGGCACCAGTAGTCCCCGCCACTTGGGCGCGTTCTCTTCGCTGAAAAACTCG[T>A]AGGGCAGCTGCTGCGCCTGCATGGTGCCCCCGGGGCGCCTCTGGGCGGGGAGAGGGGCGG-3'
Protein context (NP_005624.2, residues 1-18): MQAQQLP[Tyr8Phe]EFFSEENAPK

ClinVar aggregate classification (germline): Uncertain significance. Review status: criteria provided, multiple submitters, no conflicts (2 of 4 stars). 5 submissions from 4 submitters: Uncertain significance (5). Last evaluated 2021-10-15.

Conditions:
Noonan syndrome 4 (NS4). Also called: SOS1-Related Noonan Syndrome; NOONAN SYNDROME WITH PIGMENTED VILLONODULAR SYNOVITIS. Identifiers: Orphanet 648, MedGen C1853120, MONDO:0012547, OMIM 610733.
Fibromatosis, gingival, 1 (GINGF1). Identifiers: Orphanet 2024, MedGen C4551558, MONDO:0007609, OMIM 135300.
RASopathy. Also called: Noonan spectrum disorder; rasopathies. Identifiers: Orphanet 536391, MedGen C5555857, MONDO:0021060.

gnomAD v4.1: 6 of 1,599,354 alleles (0.00038%); highest among the groups gnomAD compares: Non-Finnish European, 0.00043%; no homozygotes.

Submissions (5):

Fulgent Genetics
Classification: Uncertain significance for Fibromatosis, gingival, 1; Noonan syndrome 4. Last evaluated: 2021-10-15. Review status: criteria provided, single submitter. Criteria: ACMG Guidelines, 2015. Collection method: clinical testing. Allele origin: unknown.

Labcorp Genetics (formerly Invitae), Labcorp
Classification: Uncertain significance for RASopathy. Last evaluated: 2020-12-08. Review status: criteria provided, single submitter. Criteria: Invitae Variant Classification Sherloc (09022015). Collection method: clinical testing. Allele origin: germline.
Comment: This variant is not present in population databases (ExAC no frequency). In summary, the available evidence is currently insufficient to determine the role of this variant in disease. Therefore, it has been classified as a Variant of Uncertain Significance. Algorithms developed to predict the effect of missense changes on protein structure and function are either unavailable or do not agree on the potential impact of this missense change (SIFT: "Deleterious"; PolyPhen-2: "Possibly Damaging"; Align-GVGD: "Class C0"). This variant has not been reported in the literature in individuals with SOS1-related conditions. This sequence change replaces tyrosine with phenylalanine at codon 8 of the SOS1 protein (p.Tyr8Phe). The tyrosine residue is moderately conserved and there is a small physicochemical difference between tyrosine and phenylalanine.

Baylor Genetics
Classification: Uncertain significance for Noonan syndrome 4. Last evaluated: 2019-04-15. Review status: criteria provided, single submitter. Criteria: ACMG Guidelines, 2015. Collection method: clinical testing. Allele origin: maternal. Affected: yes.
Comment: This variant was determined to be of uncertain significance according to ACMG Guidelines, 2015 [PMID:25741868].

Genome-Nilou Lab
Classification: Uncertain significance for Noonan syndrome 4. Review status: criteria provided, single submitter. Criteria: ACMG Guidelines, 2015. Collection method: clinical testing. Allele origin: germline.

Genome-Nilou Lab
Classification: Uncertain significance for Fibromatosis, gingival, 1. Review status: criteria provided, single submitter. Criteria: ACMG Guidelines, 2015. Collection method: clinical testing. Allele origin: germline.